The following is an entry in ClinVar:

ClinVar aggregate classification (germline): Pathogenic (1 of 4 stars; one submission).

Conditions:
Familial cancer of breast. Also called: Hereditary breast cancer; BREAST CANCER, FAMILIAL; hereditary breast carcinoma. Identifiers: Orphanet 227535, MedGen C0346153, MONDO:0016419, OMIM 114480. Disease mechanism: loss of function.

Submission:

Myriad Genetics, Inc.
Classification: Pathogenic for Familial cancer of breast. Last evaluated: 2023-09-13. Review status: criteria provided, single submitter. Criteria: Myriad Autosomal Dominant, Autosomal Recessive and X-Linked Classification Criteria (2023). Collection method: clinical testing. Allele origin: unknown.
Comment: This variant is considered pathogenic. This variant creates a frameshift predicted to result in premature protein truncation.

NM_024675.4(PALB2):c.2725del (p.Leu909fs)

Gene: PALB2 (partner and localizer of BRCA2; minus strand). Cytogenetic location: 16p12.2.
Variant type: Deletion.
Coding change: c.2725del on transcript NM_024675.4 (MANE Select); coding-DNA position 2725, one base deleted (C; older notation c.2725delC).
Protein change: p.Leu909fs; shifts the reading frame from leucine 909.
Molecular consequence: frameshift variant. On other transcripts: intron variant (3).
Genome position (GRCh38, 1-based): chr16:23,626,259, G deleted on the plus strand (C on the coding strand, the reverse complement: PALB2 is on the minus strand). VCF-style (leftmost placement, unchanged base first): chr16-23626258-AG-A. GRCh37 (hg19) VCF-style: chr16-23637579-AG-A.
Other names: c.2665del, p.Leu889fs (NM_001407296.1); c.2653del, p.Leu885fs (NM_001407297.1); c.2725del, p.Leu909fs (NM_001407299.1, NM_001407300.1, NM_001407301.1); c.1840del, p.Leu614fs (NM_001407304.1, NM_001407305.1, NM_001407306.1 and 4 more transcripts); c.937del, p.Leu313fs (NM_001407312.1, NM_001407313.1); c.259del, p.Leu87fs (NM_001407314.1); c.2587-2165del (NM_001407302.1, NM_001407298.1); c.1702-2165del (NM_001407307.1); short protein forms L313fs, L614fs, L87fs, L885fs, L889fs, L909fs.
Identifiers: ClinVar variation 2674137 (VCV002674137.1), dbSNP rs2506369573, ClinGen allele CA2695197613.